The following is an entry in ClinVar:

NM_001457.4(FLNB):c.1406_1407delinsAT (p.Ile469Asn)

Gene: FLNB (filamin B; plus strand). Cytogenetic location: 3p14.3.
Variant type: Indel.
Coding change: c.1406_1407delinsAT on transcript NM_001457.4 (MANE Select); coding-DNA positions 1406 to 1407, TC replaced by AT.
Protein change: p.Ile469Asn; replaces isoleucine 469 with asparagine.
Molecular consequence: missense variant.
Genome position (GRCh38, 1-based): chr3:58,102,263-58,102,264, TC replaced by AT. VCF-style: chr3-58102263-TC-AT. GRCh37 (hg19) VCF-style: chr3-58087990-TC-AT.
Other names: c.1406_1407delinsAT, p.Ile469Asn (NM_001164317.2, NM_001164318.2, NM_001164319.2); short protein forms I469N.
Identifiers: ClinVar variation 2763983 (VCV002763983.3), dbSNP rs2471064299, ClinGen allele CA2697556738.

ClinVar aggregate classification (germline): Uncertain significance (1 of 4 stars; one submission).

Submission:

Labcorp Genetics (formerly Invitae), Labcorp
Classification: Uncertain significance. Last evaluated: 2023-09-27. Review status: criteria provided, single submitter. Criteria: Invitae Variant Classification Sherloc (09022015). Collection method: clinical testing. Allele origin: germline.
Comment: Information on the frequency of this variant in the gnomAD database is not available, as this variant may be reported differently in the database. This sequence change replaces isoleucine, which is neutral and non-polar, with asparagine, which is neutral and polar, at codon 469 of the FLNB protein (p.Ile469Asn). This variant has not been reported in the literature in individuals affected with FLNB-related conditions. An algorithm developed to predict the effect of missense changes on protein structure and function (PolyPhen-2) suggests that this variant is likely to be disruptive. In summary, the available evidence is currently insufficient to determine the role of this variant in disease. Therefore, it has been classified as a Variant of Uncertain Significance.